The following is an entry in ClinVar:

NM_017613.4(DONSON):c.786-33A>G

Gene: DONSON (DNA replication fork stabilization factor DONSON; minus strand). Cytogenetic location: 21q22.11.
Variant type: single nucleotide variant.
Coding change: c.786-33A>G on transcript NM_017613.4 (MANE Select); 33 bases into the intron before coding-DNA position 786, A replaced by G.
Molecular consequence: intron variant.
Genome position (GRCh38, 1-based): chr21:33,583,699, T>C on the plus strand (A>G on the coding strand, the complement: DONSON is on the minus strand). VCF-style: chr21-33583699-T-C. GRCh37 (hg19) VCF-style: chr21-34956005-T-C.
Identifiers: ClinVar variation 431454 (VCV000431454.3), dbSNP rs192585552.

ClinVar aggregate classification (germline): Conflicting classifications of pathogenicity. Review status: criteria provided, conflicting classifications (1 of 4 stars). 2 submissions from 2 submitters: Uncertain significance (1); Likely benign (1). Last evaluated 2025-11-30.

Conditions:
Microcephaly, short stature, and limb abnormalities. Identifiers: Orphanet 572773, MedGen C4539873, MONDO:0060533, OMIM 617604.

Allele frequency attached by ClinVar (database versions not stated): 1000 Genomes Project 30x 0.00016; 1000 Genomes Project 0.00020; ExAC 0.00049; gnomAD exomes 0.00049 and 0.00062; gnomAD 0.00060 and 0.00064; ESP Exome Variant Server 0.00085; TOPMed 0.00111.
gnomAD v4.1: 943 of 1,486,128 alleles (0.063%); highest among the groups gnomAD compares: Middle Eastern, 0.23%; 1 homozygote.

Submissions (2):

3billion
Classification: Uncertain significance for Microcephaly, short stature, and limb abnormalities. Last evaluated: 2025-11-30. Review status: criteria provided, single submitter. Criteria: ACMG Guidelines, 2015. Collection method: clinical testing. Allele origin: germline. Affected: yes.
Comment: The variant is observed at an extremely low frequency in the gnomAD v4.1.0 dataset (total allele frequency: 0.063%). Predicted Consequence/Location: Intron variant In silico tools do not predict the variant to alter splicing and produce an abnormal transcript [SpliceAI: 0.05 (<=0.1, moderate evidence for non-spliceogenicity)]. Therefore, this variant is classified as VUS according to the recommendation of ACMG/AMP guideline.

Blueprint Genetics
Classification: Likely benign. Last evaluated: 2024-11-01. Review status: criteria provided, single submitter. Criteria: ACMG Guidelines, 2015. Collection method: clinical testing. Allele origin: germline.